The following is an entry in ClinVar:

ClinVar aggregate classification (germline): Likely pathogenic (1 of 4 stars; one submission).

Conditions:
Congenital lipoid adrenal hyperplasia due to STAR deficency. Also called: ADRENAL HYPERPLASIA I; Congenital Lipoid Adrenal Hyperplasia; Lipoid adrenal hyperplasia; Cholesterol monooxygenase (side-chain cleaving) deficiency. Identifiers: Orphanet 418, Orphanet 90790, MedGen C0342474, MONDO:0008725, OMIM 201710.

Submission:

Natera, Inc.
Classification: Likely pathogenic for Congenital lipoid adrenal hyperplasia. Last evaluated: 2025-10-22. Review status: criteria provided, single submitter. Criteria: Natera Variant Classification Schema (03/2026). Collection method: clinical testing. Allele origin: germline.
Comment: The c.470T>C variant in STAR is a missense variant predicted to cause substitution of leucine to proline at amino acid 157. This variant is rare in the general population with a frequency below the threshold expected for the associated phenotype(s). This variant has been observed in one or more individuals affected with the associated recessive disease, as either homozygous or compound heterozygous with a second variant (PMID: 15985476, 26523528, 38796770). Functional studies show that this variant may disrupt protein function (PMID: 15985476). Computational prediction algorithms indicate this variant is likely to affect gene or protein function. Given the available evidence, this variant is classified as Likely Pathogenic.

Literature cited by the submitters: PubMed 15985476; PubMed 26523528; PubMed 38796770.

NM_000349.3(STAR):c.470T>C (p.Leu157Pro)

Gene: STAR (steroidogenic acute regulatory protein; minus strand). Cytogenetic location: 8p11.23.
Variant type: single nucleotide variant.
Coding change: c.470T>C on transcript NM_000349.3 (MANE Select); coding-DNA position 470, T replaced by C.
Protein change: p.Leu157Pro; replaces leucine 157 with proline.
Molecular consequence: missense variant.
Genome position (GRCh38, 1-based): chr8:38,146,143, A>G on the plus strand (T>C on the coding strand, the complement: STAR is on the minus strand). VCF-style: chr8-38146143-A-G. GRCh37 (hg19) VCF-style: chr8-38003661-A-G.
Other names: short protein forms L157P.
Identifiers: ClinVar variation 4818221 (VCV004818221.1).
Genomic context (GRCh38, chr8:38,146,143, plus strand): 5'-TTTCCTGCTGCCTCGGCAGCCAGCTCGTGAGTAATGAATGTATCTTTTCCGATCTTCTGC[A>G]GGACCTACCAGGCCATGGGGAACCAGAATCACGACTCAGCCTGTGTTGGGCTAAGCACCC-3'
Protein context (NP_000340.2, residues 147-167): WNPNVKEIKV[Leu157Pro]QKIGKDTFIT